The following is an entry in ClinVar:

NM_001278716.2(FBXL4):c.249T>G (p.Asn83Lys)

Gene: FBXL4 (F-box and leucine rich repeat protein 4; minus strand). Cytogenetic location: 6q16.2.
Variant type: single nucleotide variant.
Coding change: c.249T>G on transcript NM_001278716.2 (MANE Select); coding-DNA position 249, T replaced by G.
Protein change: p.Asn83Lys; replaces asparagine 83 with lysine.
Molecular consequence: missense variant. On other transcripts: non-coding transcript variant (2).
Genome position (GRCh38, 1-based): chr6:98,926,740, A>C on the plus strand (T>G on the coding strand, the complement: FBXL4 is on the minus strand). VCF-style: chr6-98926740-A-C. GRCh37 (hg19) VCF-style: chr6-99374616-A-C.
Other names: c.249T>G, p.Asn83Lys (NM_012160.5); short protein forms N83K.
Identifiers: ClinVar variation 437557 (VCV000437557.1), dbSNP rs372346466, ClinGen allele CA3933715.

ClinVar aggregate classification (germline): Uncertain significance (1 of 4 stars; one submission).

Conditions:
Mitochondrial DNA depletion syndrome 13. Also called: FBXL4-Related Encephalomyopathic Mitochondrial DNA Depletion Syndrome; Mitochondrial DNA depletion syndrome 13 (encephalomyopathic type). Identifiers: Orphanet 369897, MedGen C3809592, MONDO:0014198, OMIM 615471.

Allele frequency attached by ClinVar (database versions not stated): ESP Exome Variant Server 0.00008; gnomAD 0.00003; TOPMed 0.00006.

Submission:

Wong Mito Lab, Molecular and Human Genetics, Baylor College of Medicine
Classification: Uncertain significance for Mitochondrial DNA depletion syndrome 13. Last evaluated: 2017-08-10. Review status: criteria provided, single submitter. Criteria: ACMG Guidelines, 2015. Collection method: reference population. Allele origin: germline.
Comment: The NM_012160.4:c.249T>G (NP_036292.2:p.Asn83Lys) [GRCH38: NC_000006.12:g.98926740A>C] variant in FBXL4 gene is interpretated to be a Uncertain Significance - Insufficient Evidence based on ACMG guidelines (PMID: 25741868). This variant meets one or more of the following evidence codes reported in the ACMG-guideline. PM2:This variant is absent in key population databases. PP3:Computational evidence/predictors indicate the variant has deleterious effect on FBXL4 structure, function, or protein-protein interaction. Based on this evidence code ClinGen Pathogenicity Calculator (PMID:28081714) suggested that the variant is Uncertain Significance - Insufficient Evidence.